The following is an entry in ClinVar:

ClinVar aggregate classification (germline): Likely pathogenic (1 of 4 stars; one submission).

Conditions:
Acrocallosal syndrome (ACLS). Also called: HALLUX DUPLICATION, POSTAXIAL POLYDACTYLY, AND ABSENCE OF CORPUS CALLOSUM; Schinzel syndrome 1; Absence of corpus callosum with unusual facial appearance, mental deficiency, duplication of the halluces and polydactyly. Identifiers: Orphanet 36, MedGen C0796147, MONDO:0008708, OMIM 200990.

Submission:

Institute of Medical Genetics, University of Zurich
Classification: Likely pathogenic for Acrocallosal syndrome. Last evaluated: 2017-05-18. Review status: criteria provided, single submitter. Criteria: ACMG Guidelines, 2015. Collection method: clinical testing. Allele origin: inherited. Affected: yes.
Comment: This likely pathogenic variant is believed to be in compound heterozygosity with another pathogenic variant that has yet to be identified.

Literature cited by the submitters: PubMed 29321670.

NM_198525.3(KIF7):c.423_428del (p.His142_Val143del)

Gene: KIF7 (kinesin family member 7; minus strand). Cytogenetic location: 15q26.1.
Variant type: Deletion.
Coding change: c.423_428del on transcript NM_198525.3 (MANE Select); coding-DNA positions 423 to 428, 6 bases deleted (ACATGT; older notation c.423_428delACATGT).
Protein change: p.His142_Val143del.
Molecular consequence: inframe deletion.
Genome position (GRCh38, 1-based): chr15:89,649,842-89,649,847, ACATGT deleted on the plus strand (ACATGT on the coding strand, the reverse complement: KIF7 is on the minus strand); deleting any 6 consecutive bases within chr15:89,649,842-89,649,849 gives the same sequence; the c. name uses the placement nearest the transcript's 3' end. VCF-style (leftmost placement, unchanged base first): chr15-89649841-CACATGT-C. GRCh37 (hg19) VCF-style: chr15-90193072-CACATGT-C.
Identifiers: ClinVar variation 427637 (VCV000427637.2), dbSNP rs1555425036, ClinGen allele CA658798425.